The following is an entry in ClinVar:

ClinVar aggregate classification (germline): Conflicting classifications of pathogenicity. Review status: criteria provided, conflicting classifications (1 of 4 stars). 5 submissions from 5 submitters: Uncertain significance (4); Likely benign (1). Last evaluated 2026-01-22.

Conditions:
Spermatogenic failure 28. Identifiers: MedGen C4748117, MONDO:0054732, OMIM 618086.
Premature ovarian failure 15. Identifiers: MedGen C4748170, MONDO:0054862, OMIM 618096.
Fanconi anemia (FA). Also called: Fanconi's anemia. Identifiers: Orphanet 84, MedGen C0015625, MeSH D005199, MONDO:0019391.

Allele frequency attached by ClinVar (database versions not stated): gnomAD exomes 0.00001 and below 0.00001; ExAC 0.00002; TOPMed 0.00004; gnomAD 0.00005; ESP Exome Variant Server 0.00008.

Submissions (5):

Labcorp Genetics (formerly Invitae), Labcorp
Classification: Uncertain significance for Fanconi anemia. Last evaluated: 2026-01-22. Review status: criteria provided, single submitter. Criteria: Invitae Variant Classification Sherloc (09022015). Collection method: clinical testing. Allele origin: germline.
Comment: This sequence change replaces threonine, which is neutral and polar, with methionine, which is neutral and non-polar, at codon 1170 of the FANCM protein (p.Thr1170Met). This variant is present in population databases (rs151218879, gnomAD 0.004%). This variant has not been reported in the literature in individuals affected with FANCM-related conditions. ClinVar contains an entry for this variant (Variation ID: 456264). An algorithm developed to predict the effect of missense changes on protein structure and function outputs the following: PolyPhen-2: "Benign". The methionine amino acid residue is found in multiple mammalian species, which suggests that this missense change does not adversely affect protein function. In summary, the available evidence is currently insufficient to determine the role of this variant in disease. Therefore, it has been classified as a Variant of Uncertain Significance.

Blueprint Genetics
Classification: Likely benign. Last evaluated: 2024-07-02. Review status: criteria provided, single submitter. Criteria: ACMG Guidelines, 2015. Collection method: clinical testing. Allele origin: germline.

Fulgent Genetics
Classification: Uncertain significance for Spermatogenic failure 28; Premature ovarian failure 15. Last evaluated: 2024-03-18. Review status: criteria provided, single submitter. Criteria: ACMG Guidelines, 2015. Collection method: clinical testing. Allele origin: germline.

Quest Diagnostics Nichols Institute San Juan Capistrano
Classification: Uncertain significance. Last evaluated: 2022-12-03. Review status: criteria provided, single submitter. Criteria: Quest Diagnostics criteria. Collection method: clinical testing. Allele origin: unknown.
Comment: The variant has not been reported in the published literature. The frequency of this variant in the general population, 0.0000071 (2/281924 chromosomes), is uninformative in assessment of its pathogenicity. Analysis of this variant using bioinformatics tools for the prediction of the effect of amino acid changes on protein structure and function yielded predictions that this variant is benign. Based on the available information, we are unable to determine the clinical significance of this variant.

GeneDx
Classification: Uncertain significance. Last evaluated: 2020-06-04. Review status: criteria provided, single submitter. Criteria: GeneDx Variant Classification Process June 2021. Collection method: clinical testing. Allele origin: germline. Affected: yes.
Comment: Not observed at a significant frequency in large population cohorts (Lek 2016); In silico analysis supports that this missense variant does not alter protein structure/function; Has not been previously published as pathogenic or benign to our knowledge

NM_020937.4(FANCM):c.3509C>T (p.Thr1170Met)

Gene: FANCM (FA complementation group M; plus strand). Cytogenetic location: 14q21.2.
Variant type: single nucleotide variant.
Coding change: c.3509C>T on transcript NM_020937.4 (MANE Select); coding-DNA position 3509, C replaced by T.
Protein change: p.Thr1170Met; replaces threonine 1170 with methionine.
Molecular consequence: missense variant.
Genome position (GRCh38, 1-based): chr14:45,176,263, C>T. VCF-style: chr14-45176263-C-T. GRCh37 (hg19) VCF-style: chr14-45645466-C-T.
Other names: c.3431C>T, p.Thr1144Met (NM_001308133.2); c.3509C>T (LRG_502t1, NM_020937.3); short protein forms T1170M, T1144M.
Identifiers: ClinVar variation 456264 (VCV000456264.16), dbSNP rs151218879, ClinGen allele CA7169520.